The following is an entry in ClinVar:

NM_172364.5(CACNA2D4):c.3010A>C (p.Lys1004Gln)

Gene: CACNA2D4 (calcium voltage-gated channel auxiliary subunit alpha2delta 4; minus strand). Cytogenetic location: 12p13.33.
Variant type: single nucleotide variant.
Coding change: c.3010A>C on transcript NM_172364.5 (MANE Select); coding-DNA position 3010, A replaced by C.
Protein change: p.Lys1004Gln; replaces lysine 1004 with glutamine.
Molecular consequence: missense variant.
Genome position (GRCh38, 1-based): chr12:1,797,521, T>G on the plus strand (A>C on the coding strand, the complement: CACNA2D4 is on the minus strand). VCF-style: chr12-1797521-T-G. GRCh37 (hg19) VCF-style: chr12-1906687-T-G.
Other names: short protein forms K1004Q.
Identifiers: ClinVar variation 1005048 (VCV001005048.7), dbSNP rs771505962, ClinGen allele CA6386088.

ClinVar aggregate classification (germline): Uncertain significance. Review status: criteria provided, multiple submitters, no conflicts (2 of 4 stars). 2 submissions from 2 submitters: Uncertain significance (2). Last evaluated 2025-07-22.

Allele frequency attached by ClinVar (database versions not stated): gnomAD 0.00001; gnomAD exomes 0.00006 and 0.00015; TOPMed 0.00007; ExAC 0.00021.
gnomAD v4.1: 37 of 1,570,528 alleles (0.0024%); highest among the groups gnomAD compares: Admixed American, 0.063%; no homozygotes.

Submissions (2):

Labcorp Genetics (formerly Invitae), Labcorp
Classification: Uncertain significance. Last evaluated: 2025-07-22. Review status: criteria provided, single submitter. Criteria: Invitae Variant Classification Sherloc (09022015). Collection method: clinical testing. Allele origin: germline.
Comment: This sequence change replaces lysine, which is basic and polar, with glutamine, which is neutral and polar, at codon 1004 of the CACNA2D4 protein (p.Lys1004Gln). This variant is present in population databases (rs771505962, gnomAD 0.09%), and has an allele count higher than expected for a pathogenic variant. This variant has not been reported in the literature in individuals affected with CACNA2D4-related conditions. ClinVar contains an entry for this variant (Variation ID: 1005048). An algorithm developed to predict the effect of missense changes on protein structure and function (PolyPhen-2) suggests that this variant is likely to be disruptive. In summary, the available evidence is currently insufficient to determine the role of this variant in disease. Therefore, it has been classified as a Variant of Uncertain Significance.

Blueprint Genetics
Classification: Uncertain significance. Last evaluated: 2023-01-05. Review status: criteria provided, single submitter. Criteria: ACMG Guidelines, 2015. Collection method: clinical testing. Allele origin: germline.